The following is an entry in ClinVar:

NM_172364.5(CACNA2D4):c.1777G>A (p.Glu593Lys)

Gene: CACNA2D4 (calcium voltage-gated channel auxiliary subunit alpha2delta 4; minus strand). Cytogenetic location: 12p13.33.
Variant type: single nucleotide variant.
Coding change: c.1777G>A on transcript NM_172364.5 (MANE Select); coding-DNA position 1777, G replaced by A.
Protein change: p.Glu593Lys; replaces glutamic acid 593 with lysine.
Molecular consequence: missense variant.
Genome position (GRCh38, 1-based): chr12:1,875,280, C>T on the plus strand (G>A on the coding strand, the complement: CACNA2D4 is on the minus strand). VCF-style: chr12-1875280-C-T. GRCh37 (hg19) VCF-style: chr12-1984446-C-T.
Other names: short protein forms E593K.
Identifiers: ClinVar variation 1921498 (VCV001921498.6), dbSNP rs367691073, ClinGen allele CA6386995.

ClinVar aggregate classification (germline): Uncertain significance. Review status: criteria provided, multiple submitters, no conflicts (2 of 4 stars). 2 submissions from 2 submitters: Uncertain significance (2). Last evaluated 2024-12-24.

Allele frequency attached by ClinVar (database versions not stated): gnomAD 0.00001; ExAC 0.00002; TOPMed 0.00002; gnomAD exomes 0.00003; ESP Exome Variant Server 0.00008.
gnomAD v4.1: 40 of 1,611,952 alleles (0.0025%); highest among the groups gnomAD compares: African/African-American, 0.0067%; no homozygotes.

Submissions (2):

Labcorp Genetics (formerly Invitae), Labcorp
Classification: Uncertain significance. Last evaluated: 2024-12-24. Review status: criteria provided, single submitter. Criteria: Invitae Variant Classification Sherloc (09022015). Collection method: clinical testing. Allele origin: germline.
Comment: This sequence change replaces glutamic acid, which is acidic and polar, with lysine, which is basic and polar, at codon 593 of the CACNA2D4 protein (p.Glu593Lys). This variant is present in population databases (rs367691073, gnomAD 0.008%). This variant has not been reported in the literature in individuals affected with CACNA2D4-related conditions. ClinVar contains an entry for this variant (Variation ID: 1921498). An algorithm developed to predict the effect of missense changes on protein structure and function (PolyPhen-2) suggests that this variant is likely to be disruptive. In summary, the available evidence is currently insufficient to determine the role of this variant in disease. Therefore, it has been classified as a Variant of Uncertain Significance.

Blueprint Genetics
Classification: Uncertain significance. Last evaluated: 2021-10-13. Review status: criteria provided, single submitter. Criteria: ACMG Guidelines, 2015. Collection method: clinical testing. Allele origin: germline.